The following is an entry in ClinVar:

NM_017646.6(TRIT1):c.1027C>T (p.Pro343Ser)

Gene: TRIT1 (tRNA isopentenyltransferase 1; minus strand). Cytogenetic location: 1p34.2.
Variant type: single nucleotide variant.
Coding change: c.1027C>T on transcript NM_017646.6 (MANE Select); coding-DNA position 1027, C replaced by T.
Protein change: p.Pro343Ser; replaces proline 343 with serine.
Molecular consequence: missense variant.
Genome position (GRCh38, 1-based): chr1:39,844,620, G>A on the plus strand (C>T on the coding strand, the complement: TRIT1 is on the minus strand). VCF-style: chr1-39844620-G-A. GRCh37 (hg19) VCF-style: chr1-40310292-G-A.
Other names: c.949C>T, p.Pro317Ser (NM_001312691.2); c.781C>T, p.Pro261Ser (NM_001312692.2); short protein forms P317S, P343S, P261S.
Identifiers: ClinVar variation 2231092 (VCV002231092.19), dbSNP rs1642120998, ClinGen allele CA339839798.

ClinVar aggregate classification (germline): Uncertain significance. Review status: criteria provided, multiple submitters, no conflicts (2 of 4 stars). 2 submissions from 2 submitters: Uncertain significance (2). Last evaluated 2024-07-01.

Conditions:
Inborn genetic diseases. Identifiers: MedGen C0950123, MeSH D030342.

gnomAD v4.1: 4 of 1,613,488 alleles (0.00025%); highest among the groups gnomAD compares: Non-Finnish European, 0.00017%; no homozygotes.

Submissions (2):

CeGaT Center for Human Genetics Tuebingen
Classification: Uncertain significance. Last evaluated: 2024-07-01. Review status: criteria provided, single submitter. Criteria: CeGaT Center For Human Genetics Tuebingen Variant Classification Criteria Version 2. Collection method: clinical testing. Allele origin: germline. Affected: yes. Observed: 1 variant allele.
Comment: TRIT1: PM2, BP4

Ambry Genetics
Classification: Uncertain significance for Inborn genetic diseases. Last evaluated: 2021-06-06. Review status: criteria provided, single submitter. Criteria: Ambry Variant Classification Scheme 2023. Collection method: clinical testing. Allele origin: germline.